The following is an entry in ClinVar:

NM_000439.5(PCSK1):c.754A>G (p.Ser252Gly)

Genes: CAST (calpastatin; plus strand), PCSK1 (proprotein convertase subtilisin/kexin type 1; minus strand), LOC101929710 (uncharacterized LOC101929710; plus strand). Cytogenetic location: 5q15.
Variant type: single nucleotide variant.
Coding change: c.754A>G on transcript NM_000439.5 (MANE Select); coding-DNA position 754, A replaced by G.
Protein change: p.Ser252Gly; replaces serine 252 with glycine.
Molecular consequence: missense variant. On other transcripts: intron variant (11).
Genome position (GRCh38, 1-based): chr5:96,412,446, T>C on the plus strand (A>G on the coding strand, the complement: PCSK1 is on the minus strand). VCF-style: chr5-96412446-T-C. GRCh37 (hg19) VCF-style: chr5-95748150-T-C.
Other names: c.613A>G, p.Ser205Gly (NM_001177875.2); c.-175+32794T>C (NM_001423254.1, NM_001423259.1, NM_001423255.1 and 6 more transcripts); c.-103+32794T>C (NM_001423253.1); c.-40+32794T>C (NM_001423258.1); short protein forms S205G, S252G.
Identifiers: ClinVar variation 3032174 (VCV003032174.2), dbSNP rs2531513852, ClinGen allele CA360482458.

ClinVar aggregate classification (germline): Uncertain significance (0 of 4 stars; one submission).

Conditions:
PCSK1-related disorder. Also called: PCSK1-related condition.

Submission:

PreventionGenetics, part of Exact Sciences
Classification: Uncertain significance for PCSK1-related condition. Last evaluated: 2023-12-21. Review status: no assertion criteria provided. Collection method: clinical testing. Allele origin: germline.
Comment: The PCSK1 c.754A>G variant is predicted to result in the amino acid substitution p.Ser252Gly. To our knowledge, this variant has not been reported in the literature or in a large population database, indicating this variant is rare. At this time, the clinical significance of this variant is uncertain due to the absence of conclusive functional and genetic evidence.